The following is an entry in ClinVar:

NM_005188.4(CBL):c.206T>A (p.Leu69Ter)

Gene: CBL (Cbl proto-oncogene; plus strand). Cytogenetic location: 11q23.3.
Variant type: single nucleotide variant.
Coding change: c.206T>A on transcript NM_005188.4 (MANE Select); coding-DNA position 206, T replaced by A.
Protein change: p.Leu69Ter; replaces leucine 69 with a stop codon.
Molecular consequence: nonsense.
Genome position (GRCh38, 1-based): chr11:119,232,458, T>A. VCF-style: chr11-119232458-T-A. GRCh37 (hg19) VCF-style: chr11-119103168-T-A.
Other names: short protein forms L69*.
Identifiers: ClinVar variation 4732078 (VCV004732078.1).

ClinVar aggregate classification (germline): Uncertain significance (1 of 4 stars; one submission).

Conditions:
RASopathy. Also called: rasopathies; Noonan spectrum disorder. Identifiers: Orphanet 536391, MedGen C5555857, MONDO:0021060.

Submission:

Labcorp Genetics (formerly Invitae), Labcorp
Classification: Uncertain significance for RASopathy. Last evaluated: 2025-11-27. Review status: criteria provided, single submitter. Criteria: Invitae Variant Classification Sherloc (09022015). Collection method: clinical testing. Allele origin: germline.
Comment: This sequence change creates a premature translational stop signal (p.Leu69*) in the CBL gene. It is expected to result in an absent or disrupted protein product. However, the current clinical and genetic evidence is not sufficient to establish whether loss-of-function variants in CBL cause disease. This variant is not present in population databases (gnomAD no frequency). This variant has not been reported in the literature in individuals affected with CBL-related conditions. In summary, the available evidence is currently insufficient to determine the role of this variant in disease. Therefore, it has been classified as a Variant of Uncertain Significance.